The following is an entry in ClinVar:

NM_199242.3(UNC13D):c.1799C>T (p.Thr600Met)

Gene: UNC13D (unc-13 homolog D; minus strand). Cytogenetic location: 17q25.1.
Variant type: single nucleotide variant.
Coding change: c.1799C>T on transcript NM_199242.3 (MANE Select); coding-DNA position 1799, C replaced by T.
Protein change: p.Thr600Met; replaces threonine 600 with methionine.
Molecular consequence: missense variant.
Genome position (GRCh38, 1-based): chr17:75,835,458, G>A on the plus strand (C>T on the coding strand, the complement: UNC13D is on the minus strand). VCF-style: chr17-75835458-G-A. GRCh37 (hg19) VCF-style: chr17-73831539-G-A.
Other names: short protein forms T600M.
Identifiers: ClinVar variation 835006 (VCV000835006.9), dbSNP rs770859494, ClinGen allele CA8772808.
Genomic context (GRCh38, chr17:75,835,458, plus strand): 5'-CACGCCCCCACCTCATCCATCTGCACAGCGCGCTGCACCCGCGCCAGGGCCTCGTTGTAC[G>A]TCTTCTGCAGCCAGGAGGGGATGGCCGGCTGGAACCAGCGGTGGAAATTATCCAGGGCCA-3'
Protein context (NP_954712.1, residues 590-610): QPAIPSWLQK[Thr600Met]YNEALARVQR

ClinVar aggregate classification (germline): Uncertain significance. Review status: criteria provided, multiple submitters, no conflicts (2 of 4 stars). 3 submissions from 3 submitters: Uncertain significance (3). Last evaluated 2025-06-13.

Conditions:
Familial hemophagocytic lymphohistiocytosis 3 (FHL3). Also called: UNC13D-Related Familial Hemophagocytic Lymphohistiocytosis (UNC13D-fHLH). Identifiers: Orphanet 540, MedGen C1837174, MONDO:0012146, OMIM 608898.

Allele frequency attached by ClinVar (database versions not stated): ExAC 0.00001; gnomAD 0.00001; gnomAD exomes 0.00001; TOPMed 0.00001.

Submissions (3):

Women's Health and Genetics/Laboratory Corporation of America, LabCorp
Classification: Uncertain significance. Last evaluated: 2025-06-13. Review status: criteria provided, single submitter. Criteria: LabCorp Variant Classification Summary - May 2015. Collection method: clinical testing. Allele origin: germline.
Comment: Variant summary: UNC13D c.1799C>T (p.Thr600Met) results in a non-conservative amino acid change in the encoded protein sequence. Algorithms developed to predict the effect of missense changes on protein structure and function are either unavailable or do not agree on the potential impact of this missense change. The variant allele was found at a frequency of 1.2e-05 in 247690 control chromosomes. The available data on variant occurrences in the general population are insufficient to allow any conclusion about variant significance. c.1799C>T has been observed in at least one individual affected with Familial Hemophagocytic Lymphohistiocytosis who also carried two other disease causing variants in UNC13D (Murata_2011). These report(s) do not provide unequivocal conclusions about association of the variant with Familial Hemophagocytic Lymphohistiocytosis. To our knowledge, no experimental evidence demonstrating an impact on protein function has been reported. The following publication have been ascertained in the context of this evaluation (PMID: 21653941). ClinVar contains an entry for this variant (Variation ID: 835006). Based on the evidence outlined above, the variant was classified as uncertain significance.

GeneDx
Classification: Uncertain significance. Last evaluated: 2024-05-06. Review status: criteria provided, single submitter. Criteria: GeneDx Variant Classification Process June 2021. Collection method: clinical testing. Allele origin: germline. Affected: yes.
Comment: In silico analysis indicates that this missense variant does not alter protein structure/function; Reported along with a two additional variants in the UNC13D gene in a patient with hemophagocytic lymphohistiocytosis in the published literature; however, segregation information was not provided (PMID: 21653941); This variant is associated with the following publications: (PMID: 21653941)

Labcorp Genetics (formerly Invitae), Labcorp
Classification: Uncertain significance for Familial hemophagocytic lymphohistiocytosis 3. Last evaluated: 2024-02-17. Review status: criteria provided, single submitter. Criteria: Invitae Variant Classification Sherloc (09022015). Collection method: clinical testing. Allele origin: germline.
Comment: This sequence change replaces threonine, which is neutral and polar, with methionine, which is neutral and non-polar, at codon 600 of the UNC13D protein (p.Thr600Met). This variant is present in population databases (rs770859494, gnomAD 0.007%). This missense change has been observed in individual(s) with familial hemophagocytic lymphohistiocytosis-3 (PMID: 21653941). ClinVar contains an entry for this variant (Variation ID: 835006). Advanced modeling of protein sequence and biophysical properties (such as structural, functional, and spatial information, amino acid conservation, physicochemical variation, residue mobility, and thermodynamic stability) performed at Invitae indicates that this missense variant is not expected to disrupt UNC13D protein function with a negative predictive value of 80%. In summary, the available evidence is currently insufficient to determine the role of this variant in disease. Therefore, it has been classified as a Variant of Uncertain Significance.

Literature cited by the submitters: PubMed 21653941 (cited by Women's Health and Genetics/Laboratory Corporation of America, LabCorp and Labcorp Genetics (formerly Invitae), Labcorp).